The following is an entry in ClinVar:

NM_020964.3(EPG5):c.1258A>G (p.Lys420Glu)

Genes: EPG5 (ectopic P-granules 5 autophagy tethering factor; minus strand), LOC126862737 (P300/CBP strongly-dependent group 1 enhancer GRCh37_chr18:43530707-43531906; plus strand). Cytogenetic location: 18q21.1.
Variant type: single nucleotide variant.
Coding change: c.1258A>G on transcript NM_020964.3 (MANE Select); coding-DNA position 1258, A replaced by G.
Protein change: p.Lys420Glu; replaces lysine 420 with glutamic acid.
Molecular consequence: missense variant.
Genome position (GRCh38, 1-based): chr18:45,951,233, T>C on the plus strand (A>G on the coding strand, the complement: EPG5 is on the minus strand). VCF-style: chr18-45951233-T-C. GRCh37 (hg19) VCF-style: chr18-43531199-T-C.
Other names: short protein forms K420E.
Identifiers: ClinVar variation 1499385 (VCV001499385.10), dbSNP rs2143723704, ClinGen allele CA402349787.
Genomic context (GRCh38, chr18:45,951,233, plus strand): 5'-ATAAGACACTAATGCATTCCTTTAGTTGACACAGATCAGAGGGAATGCTTTCTGTCTGCT[T>C]AGACGCTGTAAATGAAAGATATTAAATGAGTCTCTCATAAATGGTGTTTTTGGGGGAATT-3'
Protein context (NP_066015.2, residues 410-430): SAIHQQGRAS[Lys420Glu]QTESIPSDLC

ClinVar aggregate classification (germline): Uncertain significance. Review status: criteria provided, multiple submitters, no conflicts (2 of 4 stars). 2 submissions from 2 submitters: Uncertain significance (2). Last evaluated 2024-02-24.

Conditions:
Vici syndrome (VICIS). Identifiers: Orphanet 1493, MedGen C1855772, MONDO:0009452, OMIM 242840.

Submissions (2):

Labcorp Genetics (formerly Invitae), Labcorp
Classification: Uncertain significance for Vici syndrome. Last evaluated: 2024-02-24. Review status: criteria provided, single submitter. Criteria: Invitae Variant Classification Sherloc (09022015). Collection method: clinical testing. Allele origin: germline.
Comment: This sequence change replaces lysine, which is basic and polar, with glutamic acid, which is acidic and polar, at codon 420 of the EPG5 protein (p.Lys420Glu). This variant is not present in population databases (gnomAD no frequency). This variant has not been reported in the literature in individuals affected with EPG5-related conditions. ClinVar contains an entry for this variant (Variation ID: 1499385). Advanced modeling of protein sequence and biophysical properties (such as structural, functional, and spatial information, amino acid conservation, physicochemical variation, residue mobility, and thermodynamic stability) performed at Invitae indicates that this missense variant is not expected to disrupt EPG5 protein function with a negative predictive value of 80%. In summary, the available evidence is currently insufficient to determine the role of this variant in disease. Therefore, it has been classified as a Variant of Uncertain Significance.

Center for Genomics, Ann and Robert H. Lurie Children's Hospital of Chicago
Classification: Uncertain significance for Vici syndrome. Last evaluated: 2021-03-30. Review status: criteria provided, single submitter. Criteria: ACMG Guidelines, 2015. Collection method: clinical testing. Allele origin: germline.
Comment: EPG5 NM_020964 exon 4 p.Lys420Glu (c.1258A>G):This variant has not been reported in the literature and is not present in large control databases. Evolutionary conservation and computational predictive tools for this variant are unclear. In summary, data on this variant is insufficient for disease classification. Therefore, the clinical significance of this variant is uncertain.